The following is an entry in ClinVar:

ClinVar aggregate classification (germline): Uncertain significance (1 of 4 stars; one submission).

Conditions:
Hereditary cancer-predisposing syndrome. Also called: Tumor predisposition; Hereditary Cancer Syndrome; Hereditary neoplastic syndrome; Neoplastic Syndromes, Hereditary. Identifiers: Orphanet 140162, MedGen C0027672, MeSH D009386, MONDO:0015356.

Submission:

Ambry Genetics
Classification: Uncertain significance for Hereditary cancer-predisposing syndrome. Last evaluated: 2024-05-12. Review status: criteria provided, single submitter. Criteria: Ambry Variant Classification Scheme 2023. Collection method: clinical testing. Allele origin: germline.
Comment: The p.T913A variant (also known as c.2737A>G), located in coding exon 11 of the MET gene, results from an A to G substitution at nucleotide position 2737. The threonine at codon 913 is replaced by alanine, an amino acid with similar properties. This amino acid position is conserved. In addition, this alteration is predicted to be tolerated by in silico analysis. Based on the available evidence, the clinical significance of this variant remains unclear.

NM_000245.4(MET):c.2683A>G (p.Thr895Ala)

Gene: MET (MET proto-oncogene, receptor tyrosine kinase; plus strand). Cytogenetic location: 7q31.2.
Variant type: single nucleotide variant.
Coding change: c.2683A>G on transcript NM_000245.4 (MANE Select); coding-DNA position 2683, A replaced by G.
Protein change: p.Thr895Ala; replaces threonine 895 with alanine.
Molecular consequence: missense variant.
Genome position (GRCh38, 1-based): chr7:116,769,744, A>G. VCF-style: chr7-116769744-A-G. GRCh37 (hg19) VCF-style: chr7-116409798-A-G.
Other names: c.2737A>G, p.Thr913Ala (NM_001127500.3); c.2683A>G, p.Thr895Ala (NM_001324401.3); c.1393A>G, p.Thr465Ala (NM_001324402.2); short protein forms T465A, T895A, T913A.
Identifiers: ClinVar variation 3294295 (VCV003294295.1).